The following is an entry in ClinVar:

NM_020937.4(FANCM):c.497C>A (p.Ala166Asp)

Gene: FANCM (FA complementation group M; plus strand). Cytogenetic location: 14q21.2.
Variant type: single nucleotide variant.
Coding change: c.497C>A on transcript NM_020937.4 (MANE Select); coding-DNA position 497, C replaced by A.
Protein change: p.Ala166Asp; replaces alanine 166 with aspartic acid.
Molecular consequence: missense variant.
Genome position (GRCh38, 1-based): chr14:45,136,528, C>A. VCF-style: chr14-45136528-C-A. GRCh37 (hg19) VCF-style: chr14-45605731-C-A.
Other names: c.497C>A (NM_020937.3); c.497C>A, p.Ala166Asp (NM_001308133.2, NM_001308134.2); short protein forms A166D.
Identifiers: ClinVar variation 937424 (VCV000937424.13), dbSNP rs555879731, ClinGen allele CA259602743.

ClinVar aggregate classification (germline): Uncertain significance. Review status: criteria provided, multiple submitters, no conflicts (2 of 4 stars). 4 submissions from 4 submitters: Uncertain significance (3). 1 of the submissions does not count toward it. Last evaluated 2024-08-07.

Conditions:
Fanconi anemia (FA). Also called: Fanconi's anemia. Identifiers: Orphanet 84, MedGen C0015625, MeSH D005199, MONDO:0019391.
FANCM-related disorder. Also called: FANCM-related condition.

Allele frequency attached by ClinVar (database versions not stated): gnomAD 0.00001; TOPMed 0.00001; gnomAD exomes 0.00002; 1000 Genomes Project 30x 0.00016; 1000 Genomes Project 0.00020.
gnomAD v4.1: 19 of 1,613,704 alleles (0.0012%); highest among the groups gnomAD compares: Non-Finnish European, 0.0016%; no homozygotes.

Submissions (4):

Labcorp Genetics (formerly Invitae), Labcorp
Classification: Uncertain significance for Fanconi anemia. Last evaluated: 2024-08-07. Review status: criteria provided, single submitter. Criteria: Invitae Variant Classification Sherloc (09022015). Collection method: clinical testing. Allele origin: germline.
Comment: This sequence change replaces alanine, which is neutral and non-polar, with aspartic acid, which is acidic and polar, at codon 166 of the FANCM protein (p.Ala166Asp). This variant is present in population databases (rs555879731, gnomAD 0.003%). This variant has not been reported in the literature in individuals affected with FANCM-related conditions. ClinVar contains an entry for this variant (Variation ID: 937424). An algorithm developed to predict the effect of missense changes on protein structure and function (PolyPhen-2) suggests that this variant is likely to be disruptive. In summary, the available evidence is currently insufficient to determine the role of this variant in disease. Therefore, it has been classified as a Variant of Uncertain Significance.

GeneDx
Classification: Uncertain significance. Last evaluated: 2023-02-06. Review status: criteria provided, single submitter. Criteria: GeneDx Variant Classification Process June 2021. Collection method: clinical testing. Allele origin: germline. Affected: yes.
Comment: Not observed at significant frequency in large population cohorts (gnomAD); In silico analysis supports that this missense variant has a deleterious effect on protein structure/function; Has not been previously published as pathogenic or benign to our knowledge

Revvity Omics, Revvity
Classification: Uncertain significance. Last evaluated: 2020-12-24. Review status: criteria provided, single submitter. Criteria: ACMG Guidelines, 2015. Collection method: clinical testing. Allele origin: germline.

PreventionGenetics, part of Exact Sciences
Classification: Uncertain significance for FANCM-related condition. Last evaluated: 2024-09-13. Review status: no assertion criteria provided. Collection method: clinical testing. Allele origin: germline. Not counted in ClinVar's aggregate classification.
Comment: The FANCM c.497C>A variant is predicted to result in the amino acid substitution p.Ala166Asp. To our knowledge, this variant has not been reported in the literature. This variant is reported in 0.0036% of alleles in individuals of European (non-Finnish) descent in gnomAD. At this time, the clinical significance of this variant is uncertain due to the absence of conclusive functional and genetic evidence.